The following is an entry in ClinVar:

ClinVar aggregate classification (germline): Uncertain significance (1 of 4 stars; one submission).

Allele frequency attached by ClinVar (database versions not stated): ExAC 0.00002.
gnomAD v4.1: 1 of 1,564,844 alleles (0.000064%); highest among the groups gnomAD compares: Non-Finnish European, 0.000088%; no homozygotes.

Submission:

Ambry Genetics
Classification: Uncertain significance. Last evaluated: 2024-05-17. Review status: criteria provided, single submitter. Criteria: Ambry Variant Classification Scheme 2023. Collection method: clinical testing. Allele origin: germline.
Comment: The p.V2552F variant (also known as c.7654G>T), located in coding exon 29 of the POLQ gene, results from a G to T substitution at nucleotide position 7654. The valine at codon 2552 is replaced by phenylalanine, an amino acid with highly similar properties. This amino acid position is conserved. In addition, the in silico prediction for this alteration is inconclusive. Since supporting evidence is limited at this time, the clinical significance of this alteration remains unclear.

NM_199420.4(POLQ):c.7654G>T (p.Val2552Phe)

Gene: POLQ (DNA polymerase theta; minus strand). Cytogenetic location: 3q13.33.
Variant type: single nucleotide variant.
Coding change: c.7654G>T on transcript NM_199420.4 (MANE Select); coding-DNA position 7654, G replaced by T.
Protein change: p.Val2552Phe; replaces valine 2552 with phenylalanine.
Molecular consequence: missense variant.
Genome position (GRCh38, 1-based): chr3:121,432,923, C>A on the plus strand (G>T on the coding strand, the complement: POLQ is on the minus strand). VCF-style: chr3-121432923-C-A. GRCh37 (hg19) VCF-style: chr3-121151770-C-A.
Other names: short protein forms V2552F.
Identifiers: ClinVar variation 1759991 (VCV001759991.3), dbSNP rs768706265, ClinGen allele CA2562113.
Genomic context (GRCh38, chr3:121,432,923, plus strand): 5'-TGACAATACAGTGTCTTGTCTTCCTATGGAATGGACACAAGCATTGCAAAAATACCTGAA[C>A]AACATCTTCTTCTGCCACTTCATATAGGAGTTCATCATGGAGTTGAAGGATGAAGAAGCC-3'
Protein context (NP_955452.3, residues 2542-2562): LLYEVAEEDV[Val2552Phe]QVAQIVKNEM